The following is an entry in ClinVar:

ClinVar aggregate classification (germline): Likely pathogenic (1 of 4 stars; one submission).

Conditions:
Sialic acid storage disease, severe infantile type (ISSD). Also called: INFANTILE SIALIC ACID STORAGE DISORDER; N-ACETYLNEURAMINIC ACID STORAGE DISEASE; NANA STORAGE DISEASE; SIALURIA, INFANTILE FORM; Infantile Sialic Acid Storage Disease; Free sialic acid storage disease, infantile form. Identifiers: Orphanet 309324, Orphanet 834, MedGen C1096902, MONDO:0010027, OMIM 269920.

Submission:

Myriad Genetics, Inc.
Classification: Likely pathogenic for Sialic acid storage disease, severe infantile type. Last evaluated: 2022-03-16. Review status: criteria provided, single submitter. Criteria: Myriad Autosomal Dominant, Autosomal Recessive and X-Linked Classification Criteria (2023). Collection method: clinical testing. Allele origin: unknown.
Comment: NM_012434.4(SLC17A5):c.693C>A(Y231*) is expected to be pathogenic in the context of free sialic acid storage disorders. This variant is predicted to lead to an abnormal or absent protein product due to the creation of a premature termination codon in SLC17A5, a gene where loss-of-function variants are known to be pathogenic. Please note: this variant was assessed in the context of healthy population screening.

NM_012434.5(SLC17A5):c.693C>A (p.Tyr231Ter)

Gene: SLC17A5 (solute carrier family 17 member 5; minus strand). Cytogenetic location: 6q13.
Variant type: single nucleotide variant.
Coding change: c.693C>A on transcript NM_012434.5 (MANE Select); coding-DNA position 693, C replaced by A.
Protein change: p.Tyr231Ter; replaces tyrosine 231 with a stop codon.
Molecular consequence: nonsense. On other transcripts: intron variant (2).
Genome position (GRCh38, 1-based): chr6:73,636,628, G>T on the plus strand (C>A on the coding strand, the complement: SLC17A5 is on the minus strand). VCF-style: chr6-73636628-G-T. GRCh37 (hg19) VCF-style: chr6-74346351-G-T.
Other names: c.462C>A, p.Tyr154Ter (NM_001382629.1); c.693C>A, p.Tyr231Ter (NM_001382630.1, NM_001382633.1, NM_001382634.1); c.714C>A, p.Tyr238Ter (NM_001382631.1); c.690C>A, p.Tyr230Ter (NM_001382635.1); c.383-1128C>A (NM_001382636.1); c.614-1128C>A (NM_001382632.1); short protein forms Y154*, Y230*, Y231*, Y238*.
Identifiers: ClinVar variation 1725321 (VCV001725321.3), dbSNP rs2533494568, ClinGen allele CA364716418.